The following is an entry in ClinVar:

ClinVar aggregate classification (germline): Benign/Likely benign. Review status: criteria provided, multiple submitters, no conflicts (2 of 4 stars). 6 submissions from 5 submitters: Benign (2); Likely benign (4). Last evaluated 2026-01-27.

Conditions:
Hereditary cancer-predisposing syndrome. Also called: Tumor predisposition; Hereditary neoplastic syndrome; Hereditary Cancer Syndrome; Neoplastic Syndromes, Hereditary. Identifiers: Orphanet 140162, MedGen C0027672, MeSH D009386, MONDO:0015356.
Gorlin syndrome. Also called: Nevoid Basal Cell Carcinoma Syndrome; Basal cell nevus syndrome. Identifiers: Orphanet 377, MedGen C0004779, MONDO:0007187.
Holoprosencephaly 7 (HPE7). Identifiers: Orphanet 2162, MedGen C1835820, MONDO:0012562, OMIM 610828.

Allele frequency attached by ClinVar (database versions not stated): TOPMed 0.00002; gnomAD 0.00003 and 0.00004; gnomAD exomes 0.00004 and 0.00008; ExAC 0.00011.
gnomAD v4.1: 61 of 1,613,836 alleles (0.0038%); highest among the groups gnomAD compares: South Asian, 0.045%; no homozygotes.

Submissions (6):

Labcorp Genetics (formerly Invitae), Labcorp
Classification: Likely benign for Gorlin syndrome. Last evaluated: 2026-01-27. Review status: criteria provided, single submitter. Criteria: Invitae Variant Classification Sherloc (09022015). Collection method: clinical testing. Allele origin: germline.

Quest Diagnostics Nichols Institute San Juan Capistrano
Classification: Benign. Last evaluated: 2024-12-18. Review status: criteria provided, single submitter. Criteria: Quest Diagnostics criteria. Collection method: clinical testing. Allele origin: unknown.

Ambry Genetics
Classification: Likely benign for Hereditary cancer-predisposing syndrome. Last evaluated: 2019-05-10. Review status: criteria provided, single submitter. Criteria: Ambry Variant Classification Scheme 2023. Collection method: clinical testing. Allele origin: germline.

Illumina Laboratory Services, Illumina
Classification: Benign for Basal cell nevus syndrome 1. Last evaluated: 2018-01-13. Review status: criteria provided, single submitter. Criteria: ICSL Variant Classification Criteria 13 December 2019. Collection method: clinical testing. Allele origin: germline.
Comment: This variant was observed in the ICSL laboratory as part of a predisposition screen in an ostensibly healthy population. It had not been previously curated by ICSL or reported in the Human Gene Mutation Database (HGMD: prior to June 1st, 2018), and was therefore a candidate for classification through an automated scoring system. Utilizing variant allele frequency, disease prevalence and penetrance estimates, and inheritance mode, an automated score was calculated to assess if this variant is too frequent to cause the disease. Based on the score and internal cut-off values, a variant classified as benign is not then subjected to further curation. The score for this variant resulted in a classification of benign for this disease.

Illumina Laboratory Services, Illumina
Classification: Likely benign for Holoprosencephaly 7. Last evaluated: 2018-01-13. Review status: criteria provided, single submitter. Criteria: ICSL Variant Classification Criteria 13 December 2019. Collection method: clinical testing. Allele origin: germline.
Comment: This variant was observed in the ICSL laboratory as part of a predisposition screen in an ostensibly healthy population. It had not been previously curated by ICSL or reported in the Human Gene Mutation Database (HGMD: prior to June 1st, 2018), and was therefore a candidate for classification through an automated scoring system. Utilizing variant allele frequency, disease prevalence and penetrance estimates, and inheritance mode, an automated score was calculated to assess if this variant is too frequent to cause the disease. Based on the score and internal cut-off values, a variant classified as likely benign is not then subjected to further curation. The score for this variant resulted in a classification of likely benign for this disease.

Breakthrough Genomics
Classification: Likely benign. Review status: criteria provided, single submitter. Criteria: ACMG Guidelines, 2015. Collection method: not provided. Allele origin: germline. Inheritance: Autosomal dominant inheritance. Affected: yes.

NM_000264.5(PTCH1):c.3192G>A (p.Thr1064=)

Gene: PTCH1 (patched 1; minus strand). Cytogenetic location: 9q22.32.
Variant type: single nucleotide variant.
Coding change: c.3192G>A on transcript NM_000264.5 (MANE Select); coding-DNA position 3192, G replaced by A.
Protein change: p.Thr1064=; no amino-acid change (threonine 1064 retained).
Molecular consequence: synonymous variant. On other transcripts: non-coding transcript variant (1).
Genome position (GRCh38, 1-based): chr9:95,456,390, C>T on the plus strand (G>A on the coding strand, the complement: PTCH1 is on the minus strand). VCF-style: chr9-95456390-C-T. GRCh37 (hg19) VCF-style: chr9-98218672-C-T.
Other names: c.3192G>A (NM_000264.4); c.2994G>A, p.Thr998= (NM_001083602.3); c.3189G>A, p.Thr1063= (NM_001083603.3); c.2739G>A, p.Thr913= (NM_001083604.3, NM_001083605.3, NM_001083606.3 and 1 more transcripts); c.3036G>A, p.Thr1012= (NM_001354918.2).
Identifiers: ClinVar variation 696579 (VCV000696579.20), dbSNP rs751797047, ClinGen allele CA5138218.